The following is an entry in ClinVar:

NM_001365536.1(SCN9A):c.5957G>A (p.Ser1986Asn)

Genes: SCN1A-AS1 (SCN1A and SCN9A antisense RNA 1; plus strand), SCN9A (sodium voltage-gated channel alpha subunit 9; minus strand). Cytogenetic location: 2q24.3.
Variant type: single nucleotide variant.
Coding change: c.5957G>A on transcript NM_001365536.1 (MANE Select); coding-DNA position 5957, G replaced by A.
Protein change: p.Ser1986Asn; replaces serine 1986 with asparagine.
Molecular consequence: missense variant.
Genome position (GRCh38, 1-based): chr2:166,198,682, C>T on the plus strand (G>A on the coding strand, the complement: SCN9A is on the minus strand). VCF-style: chr2-166198682-C-T. GRCh37 (hg19) VCF-style: chr2-167055192-C-T.
Other names: c.5924G>A, p.Ser1975Asn (NM_002977.4); short protein forms S1975N, S1986N.
Identifiers: ClinVar variation 3752977 (VCV003752977.2).

ClinVar aggregate classification (germline): Uncertain significance (1 of 4 stars; one submission).

Conditions:
Neuropathy, hereditary sensory and autonomic, type 2A (HSAN2A). Also called: ACROOSTEOLYSIS, GIACCAI TYPE; ACROOSTEOLYSIS, NEUROGENIC; WNK1-Related HSAN2 (HSAN2A); MORVAN DISEASE; NEUROPATHY, CONGENITAL SENSORY; NEUROPATHY, HEREDITARY SENSORY RADICULAR, AUTOSOMAL RECESSIVE. Identifiers: Orphanet 970, MedGen C2752089, MONDO:0024309, OMIM 201300.
Generalized epilepsy with febrile seizures plus, type 7 (GEFSP7). Also called: GEFS+, TYPE 7. Identifiers: Orphanet 36387, MedGen C2751778, MONDO:0013470, OMIM 613863.

Submission:

Labcorp Genetics (formerly Invitae), Labcorp
Classification: Uncertain significance for Neuropathy, hereditary sensory and autonomic, type 2A; Generalized epilepsy with febrile seizures plus, type 7. Last evaluated: 2024-03-16. Review status: criteria provided, single submitter. Criteria: Invitae Variant Classification Sherloc (09022015). Collection method: clinical testing. Allele origin: germline.
Comment: This sequence change replaces serine, which is neutral and polar, with asparagine, which is neutral and polar, at codon 1975 of the SCN9A protein (p.Ser1975Asn). The frequency data for this variant in the population databases is considered unreliable, as metrics indicate poor data quality at this position in the gnomAD database. This variant has not been reported in the literature in individuals affected with SCN9A-related conditions. Advanced modeling of protein sequence and biophysical properties (such as structural, functional, and spatial information, amino acid conservation, physicochemical variation, residue mobility, and thermodynamic stability) has been performed at Invitae for this missense variant, however the output from this modeling did not meet the statistical confidence thresholds required to predict the impact of this variant on SCN9A protein function. In summary, the available evidence is currently insufficient to determine the role of this variant in disease. Therefore, it has been classified as a Variant of Uncertain Significance.